The following is an entry in ClinVar:

ClinVar aggregate classification (germline): Uncertain significance. Review status: criteria provided, multiple submitters, no conflicts (2 of 4 stars). 5 submissions from 5 submitters: Uncertain significance (4). 1 of the submissions does not count toward it. Last evaluated 2026-04-14.

Conditions:
ABCB4-related disorder. Also called: ABCB4-related disorders; ABCB4-related condition.
Familial intrahepatic cholestasis. Identifiers: Orphanet 284385, MedGen CN296401, MONDO:0017290.
Inborn genetic diseases. Identifiers: MedGen C0950123, MeSH D030342.

Allele frequency attached by ClinVar (database versions not stated): ExAC 0.00001; gnomAD exomes 0.00001; TOPMed 0.00003; gnomAD 0.00004 and 0.00005.
gnomAD v4.1: 30 of 1,614,154 alleles (0.0019%); highest among the groups gnomAD compares: African/African-American, 0.027%; 1 homozygote.

Submissions (5):

Genomenon, Inc
Classification: Uncertain significance for Familial intrahepatic cholestasis. Last evaluated: 2026-04-14. Review status: criteria provided, single submitter. Criteria: Genomenon Sequence Variant Interpretation Standards - Updated. Collection method: curation. Allele origin: germline. Affected: no.
Comment: ABCB4 p.Leu861Val (c.2581T>G) is a missense variant that changes the amino acid at residue 861 from Leucine to Valine. This variant has been reported in the published literature (PMID:35626323). It is absent or not present at a significant frequency in gnomAD. In silico models predict that this variant is possibly or probably damaging. In conclusion, we classify ABCB4 p.Leu861Val (c.2581T>G) as a variant of uncertain significance.

Labcorp Genetics (formerly Invitae), Labcorp
Classification: Uncertain significance. Last evaluated: 2024-05-25. Review status: criteria provided, single submitter. Criteria: Invitae Variant Classification Sherloc (09022015). Collection method: clinical testing. Allele origin: germline.
Comment: This sequence change replaces leucine, which is neutral and non-polar, with valine, which is neutral and non-polar, at codon 861 of the ABCB4 protein (p.Leu861Val). This variant is present in population databases (rs112610863, gnomAD 0.01%). This variant has not been reported in the literature in individuals affected with ABCB4-related conditions. ClinVar contains an entry for this variant (Variation ID: 501509). Advanced modeling of protein sequence and biophysical properties (such as structural, functional, and spatial information, amino acid conservation, physicochemical variation, residue mobility, and thermodynamic stability) has been performed at Invitae for this missense variant, however the output from this modeling did not meet the statistical confidence thresholds required to predict the impact of this variant on ABCB4 protein function. In summary, the available evidence is currently insufficient to determine the role of this variant in disease. Therefore, it has been classified as a Variant of Uncertain Significance.

Ambry Genetics
Classification: Uncertain significance for Inborn genetic diseases. Last evaluated: 2024-02-21. Review status: criteria provided, single submitter. Criteria: Ambry Variant Classification Scheme 2023. Collection method: clinical testing. Allele origin: germline.

Eurofins Ntd Llc (ga)
Classification: Uncertain significance. Last evaluated: 2017-04-17. Review status: criteria provided, single submitter. Criteria: EGL Classification Definitions 2015. Collection method: clinical testing. Allele origin: germline. Observed: 1 variant allele, 1 heterozygote.

PreventionGenetics, part of Exact Sciences
Classification: Uncertain significance for ABCB4-related condition. Last evaluated: 2023-12-24. Review status: no assertion criteria provided. Collection method: clinical testing. Allele origin: germline. Not counted in ClinVar's aggregate classification.
Comment: The ABCB4 c.2581T>G variant is predicted to result in the amino acid substitution p.Leu861Val. To our knowledge, this variant has not been reported in the literature. This variant is reported in 0.012% of alleles in individuals of African descent in gnomAD. At this time, the clinical significance of this variant is uncertain due to the absence of conclusive functional and genetic evidence.

Literature cited by the submitters: PubMed 35626323 (cited by Genomenon, Inc).

NM_000443.4(ABCB4):c.2581T>G (p.Leu861Val)

Gene: ABCB4 (ATP binding cassette subfamily B member 4; minus strand). Cytogenetic location: 7q21.12.
Variant type: single nucleotide variant.
Coding change: c.2581T>G on transcript NM_000443.4 (MANE Select); coding-DNA position 2581, T replaced by G.
Protein change: p.Leu861Val; replaces leucine 861 with valine.
Molecular consequence: missense variant.
Genome position (GRCh38, 1-based): chr7:87,417,413, A>C on the plus strand (T>G on the coding strand, the complement: ABCB4 is on the minus strand). VCF-style: chr7-87417413-A-C. GRCh37 (hg19) VCF-style: chr7-87046729-A-C.
Other names: c.2581T>G (NM_000443.3); c.2581T>G, p.Leu861Val (NM_018849.3, NM_018850.3); short protein forms L861V.
Identifiers: ClinVar variation 501509 (VCV000501509.13), dbSNP rs112610863, ClinGen allele CA4326980.